The following is an entry in ClinVar:

NM_001232.4(CASQ2):c.294_297del (p.Glu99fs)

Gene: CASQ2 (calsequestrin 2; minus strand). Cytogenetic location: 1p13.1.
Variant type: Microsatellite.
Coding change: c.294_297del on transcript NM_001232.4 (MANE Select); coding-DNA positions 294 to 297, 4 bases deleted (AGAA; older notation c.294_297delAGAA).
Protein change: p.Glu99fs; shifts the reading frame from glutamic acid 99.
Molecular consequence: frameshift variant.
Genome position (GRCh38, 1-based): chr1:115,744,850-115,744,853, TTCT deleted on the plus strand (AGAA on the coding strand, the reverse complement: CASQ2 is on the minus strand); deleting any 4 consecutive bases within chr1:115,744,850-115,744,858 gives the same sequence; the c. name uses the placement nearest the transcript's 3' end. VCF-style (leftmost placement, unchanged base first): chr1-115744849-CTTCT-C. GRCh37 (hg19) VCF-style: chr1-116287470-CTTCT-C.
Other names: short protein forms E99fs.
Identifiers: ClinVar variation 5038093 (VCV005038093.1).

ClinVar aggregate classification (germline): Likely pathogenic (1 of 4 stars; one submission).

Conditions:
Catecholaminergic polymorphic ventricular tachycardia 2. Also called: VENTRICULAR TACHYCARDIA, STRESS-INDUCED POLYMORPHIC 2; CASQ2-Related Catecholaminergic Polymorphic Ventricular Tachycardia. Identifiers: Orphanet 3286, MedGen C2677794, MONDO:0012762, OMIM 611938.

Submission:

MVZ Medizinische Genetik Mainz
Classification: Likely pathogenic for Catecholaminergic polymorphic ventricular tachycardia 2. Last evaluated: 2026-02-06. Review status: criteria provided, single submitter. Criteria: UK Practice Guidelines For Variant Classification V4 01 2020. Collection method: clinical testing. Allele origin: germline. Inheritance: Autosomal dominant inheritance. Affected: yes. Observed: 1 variant allele.
Comment: ACMG Criteria: PVS1,PM2_SUP